The following is an entry in ClinVar:

NM_000136.3(FANCC):c.1135G>T (p.Val379Phe)

Genes: AOPEP (aminopeptidase O (putative); plus strand), FANCC (FA complementation group C; minus strand). Cytogenetic location: 9q22.32.
Variant type: single nucleotide variant.
Coding change: c.1135G>T on transcript NM_000136.3 (MANE Select); coding-DNA position 1135, G replaced by T.
Protein change: p.Val379Phe; replaces valine 379 with phenylalanine.
Molecular consequence: missense variant.
Genome position (GRCh38, 1-based): chr9:95,114,648, C>A on the plus strand (G>T on the coding strand, the complement: FANCC is on the minus strand). VCF-style: chr9-95114648-C-A. GRCh37 (hg19) VCF-style: chr9-97876930-C-A.
Other names: c.1135G>T, p.Val379Phe (NM_001243743.2, NM_001243744.2); short protein forms V379F.
Identifiers: ClinVar variation 4870950 (VCV004870950.1).

ClinVar aggregate classification (germline): Uncertain significance (1 of 4 stars; one submission).

Conditions:
Hereditary cancer-predisposing syndrome. Also called: Neoplastic Syndromes, Hereditary; Hereditary Cancer Syndrome; Hereditary neoplastic syndrome; Tumor predisposition. Identifiers: Orphanet 140162, MedGen C0027672, MeSH D009386, MONDO:0015356.

gnomAD v4.1: 1 of 1,614,056 alleles (0.000062%); highest among the groups gnomAD compares: Non-Finnish European, 0.000085%; no homozygotes.

Submission:

Ambry Genetics
Classification: Uncertain significance for Hereditary cancer-predisposing syndrome. Last evaluated: 2026-04-23. Review status: criteria provided, single submitter. Criteria: Ambry Variant Classification Scheme 2023. Collection method: clinical testing. Allele origin: germline.
Comment: The p.V379F variant (also known as c.1135G>T), located in coding exon 11 of the FANCC gene, results from a G to T substitution at nucleotide position 1135. The valine at codon 379 is replaced by phenylalanine, an amino acid with highly similar properties. This amino acid position is conserved. In addition, the in silico prediction for this alteration is inconclusive. Based on the available evidence, the clinical significance of this variant remains unclear.